The following is an entry in ClinVar:

ClinVar aggregate classification (germline): Conflicting classifications of pathogenicity. Review status: criteria provided, conflicting classifications (1 of 4 stars). 2 submissions from 2 submitters: Uncertain significance (1); Likely benign (1). Last evaluated 2026-02-11.

Conditions:
Exostoses, multiple, type 1 (EXT1). Also called: Hereditary Multiple Osteochondromatosis, Type I; EXOSTOSES, MULTIPLE, TYPE I. Identifiers: MedGen CN263289, MONDO:0007585, OMIM 133700.
Multiple congenital exostosis (EXT). Also called: Multiple exostoses; MULTIPLE CARTILAGINOUS EXOSTOSES; Multiple osteochondromas; Hereditary multiple osteochondromas; Hereditary multiple exostoses; Hereditary multiple exostosis. Identifiers: Orphanet 321, MedGen C0015306, MONDO:0005508, HP:0002762.

Allele frequency attached by ClinVar (database versions not stated): gnomAD 0.00007 and 0.00009; TOPMed 0.00007; gnomAD exomes 0.00010; ExAC 0.00013; 1000 Genomes Project 30x 0.00016; 1000 Genomes Project 0.00020; ESP Exome Variant Server 0.00023.
gnomAD v4.1: 200 of 1,614,088 alleles (0.012%); highest among the groups gnomAD compares: South Asian, 0.019%; 1 homozygote.

Submissions (2):

St. Jude Molecular Pathology, St. Jude Children's Research Hospital
Classification: Uncertain significance for Exostoses, multiple, type 1. Last evaluated: 2026-02-11. Review status: criteria provided, single submitter. Criteria: St. Jude Assertion Criteria 2020. Collection method: clinical testing. Allele origin: germline.
Comment: The EXT1 c.1609G>A p.(Val537Ile) missense change has a maximum subpopulation frequency of 0.02% in gnomAD v2.1.1. The in silico tool REVEL is inconclusive about a pathogenic or benign effect of this variant on protein function, and to our knowledge functional studies have not been performed. To our knowledge, this variant has not been reported in individuals with hereditary multiple exostoses. In summary, the evidence currently available is insufficient to determine the clinical significance of this variant. It has therefore been classified as of uncertain significance.

Labcorp Genetics (formerly Invitae), Labcorp
Classification: Likely benign for Multiple congenital exostosis. Last evaluated: 2025-12-03. Review status: criteria provided, single submitter. Criteria: Invitae Variant Classification Sherloc (09022015). Collection method: clinical testing. Allele origin: germline.

NM_000127.3(EXT1):c.1609G>A (p.Val537Ile)

Gene: EXT1 (exostosin glycosyltransferase 1; minus strand). Cytogenetic location: 8q24.11.
Variant type: single nucleotide variant.
Coding change: c.1609G>A on transcript NM_000127.3 (MANE Select); coding-DNA position 1609, G replaced by A.
Protein change: p.Val537Ile; replaces valine 537 with isoleucine.
Molecular consequence: missense variant.
Genome position (GRCh38, 1-based): chr8:117,818,458, C>T on the plus strand (G>A on the coding strand, the complement: EXT1 is on the minus strand). VCF-style: chr8-117818458-C-T. GRCh37 (hg19) VCF-style: chr8-118830697-C-T.
Other names: c.1609G>A (NM_000127.2); short protein forms V537I.
Identifiers: ClinVar variation 1606714 (VCV001606714.10), dbSNP rs144397063, ClinGen allele CA4854087.